The following is an entry in ClinVar:

NM_000222.3(KIT):c.153C>T (p.Gly51=)

Gene: KIT (KIT proto-oncogene, receptor tyrosine kinase; plus strand). Cytogenetic location: 4q12.
Variant type: single nucleotide variant.
Coding change: c.153C>T on transcript NM_000222.3 (MANE Select); coding-DNA position 153, C replaced by T.
Protein change: p.Gly51=; no amino-acid change (glycine 51 retained).
Molecular consequence: synonymous variant.
Genome position (GRCh38, 1-based): chr4:54,695,597, C>T. VCF-style: chr4-54695597-C-T. GRCh37 (hg19) VCF-style: chr4-55561763-C-T.
Other names: c.153C>T, p.Gly51= (NM_001093772.2, NM_001385284.1, NM_001385285.1 and 4 more transcripts).
Identifiers: ClinVar variation 458877 (VCV000458877.18), dbSNP rs147363921, ClinGen allele CA2923173.

ClinVar aggregate classification (germline): Benign/Likely benign. Review status: criteria provided, multiple submitters, no conflicts (2 of 4 stars). 4 submissions from 4 submitters: Benign (1); Likely benign (3). Last evaluated 2026-06-02.

Conditions:
KIT-related disorder. Also called: KIT-related condition.
Hereditary cancer-predisposing syndrome. Also called: Tumor predisposition; Hereditary neoplastic syndrome; Neoplastic Syndromes, Hereditary; Hereditary Cancer Syndrome. Identifiers: Orphanet 140162, MedGen C0027672, MeSH D009386, MONDO:0015356.
Gastrointestinal stromal tumor. Also called: Gastrointestinal stromal tumor, somatic; Gastrointestinal stroma tumor. Identifiers: Orphanet 44890, MedGen C0238198, MeSH D046152, MONDO:0011719, OMIM 606764, HP:0100723.

Allele frequency attached by ClinVar (database versions not stated): TOPMed 0.00003; ESP Exome Variant Server 0.00008.
gnomAD v4.1: 52 of 1,613,992 alleles (0.0032%); highest among the groups gnomAD compares: African/African-American, 0.0053%; no homozygotes.

Submissions (4):

Myriad Genetics, Inc.
Classification: Benign for Gastrointestinal stromal tumor. Last evaluated: 2026-06-02. Review status: criteria provided, single submitter. Criteria: Myriad Autosomal Dominant, Autosomal Recessive and X-Linked Classification Criteria (2023). Collection method: clinical testing. Allele origin: unknown.
Comment: This variant is considered benign. This variant is a silent/synonymous amino acid change and it is not expected to impact splicing.

PreventionGenetics, part of Exact Sciences
Classification: Likely benign for KIT-related condition. Last evaluated: 2026-03-01. Review status: criteria provided, single submitter. Criteria: ACMG Guidelines, 2015. Collection method: clinical testing. Allele origin: germline.
Comment: This variant is classified as likely benign based on ACMG/AMP sequence variant interpretation guidelines (Richards et al. 2015 PMID: 25741868, with internal and published modifications).

Labcorp Genetics (formerly Invitae), Labcorp
Classification: Likely benign for Gastrointestinal stromal tumor. Last evaluated: 2026-01-31. Review status: criteria provided, single submitter. Criteria: Invitae Variant Classification Sherloc (09022015). Collection method: clinical testing. Allele origin: germline.

Ambry Genetics
Classification: Likely benign for Hereditary cancer-predisposing syndrome. Last evaluated: 2018-12-02. Review status: criteria provided, single submitter. Criteria: Ambry Variant Classification Scheme 2023. Collection method: clinical testing. Allele origin: germline.